The following is an entry in ClinVar:

ClinVar aggregate classification (germline): Uncertain significance (1 of 4 stars; one submission).

gnomAD v4.1: 5 of 1,614,060 alleles (0.00031%); highest among the groups gnomAD compares: Non-Finnish European, 0.00025%; no homozygotes.

Submission:

GeneDx
Classification: Uncertain significance. Last evaluated: 2024-05-06. Review status: criteria provided, single submitter. Criteria: GeneDx Variant Classification Process June 2021. Collection method: clinical testing. Allele origin: germline. Affected: yes.
Comment: Not observed at significant frequency in large population cohorts (gnomAD); In silico analysis supports that this missense variant has a deleterious effect on protein structure/function; Has not been previously published as pathogenic or benign to our knowledge

NM_004408.4(DNM1):c.1105C>T (p.Arg369Cys)

Gene: DNM1 (dynamin 1; plus strand). Cytogenetic location: 9q34.11.
Variant type: single nucleotide variant.
Coding change: c.1105C>T on transcript NM_004408.4 (MANE Select); coding-DNA position 1105, C replaced by T.
Protein change: p.Arg369Cys; replaces arginine 369 with cysteine.
Molecular consequence: missense variant.
Genome position (GRCh38, 1-based): chr9:128,222,573, C>T. VCF-style: chr9-128222573-C-T. GRCh37 (hg19) VCF-style: chr9-130984852-C-T.
Other names: c.1105C>T, p.Arg369Cys (NM_001005336.3, NM_001288737.2, NM_001288738.2 and 2 more transcripts); short protein forms R369C.
Identifiers: ClinVar variation 3375994 (VCV003375994.1).